The following is an entry in ClinVar:

NM_017841.4(SDHAF2):c.261-2A>G

Gene: SDHAF2 (succinate dehydrogenase complex assembly factor 2; plus strand). Cytogenetic location: 11q12.2.
Variant type: single nucleotide variant.
Coding change: c.261-2A>G on transcript NM_017841.4 (MANE Select); the canonical splice acceptor site of the intron before coding-DNA position 261, A replaced by G.
Molecular consequence: splice acceptor variant.
Genome position (GRCh38, 1-based): chr11:61,438,002, A>G. VCF-style: chr11-61438002-A-G. GRCh37 (hg19) VCF-style: chr11-61205474-A-G.
Other names: c.261-2A>G (NM_017841.2).
Identifiers: ClinVar variation 3632817 (VCV003632817.3).
Genomic context (GRCh38, chr11:61,438,002, plus strand): 5'-CTTCTCTTTTATTAGACACAGCCTTCTCAACCTCTTTTTCTTTTTTTCTTTCTTGTTTTT[A>G]GTCTTTTTGCTAAAGAACATCTGCAGCACATGACAGAAAAGCAGCTGAACCTCTATGACC-3'

ClinVar aggregate classification (germline): Likely pathogenic. Review status: criteria provided, multiple submitters, no conflicts (2 of 4 stars). 2 submissions from 2 submitters: Likely pathogenic (2). Last evaluated 2025-03-19.

Conditions:
Hereditary pheochromocytoma and paraganglioma. Also called: Hereditary paragangliomas and pheochromocytomas; Hereditary Paraganglioma-Pheochromocytoma Syndromes; Hereditary pheochromocytoma-paraganglioma. Identifiers: Orphanet 29072, MedGen C4274332, MONDO:0017366.
Hereditary cancer-predisposing syndrome. Also called: Tumor predisposition; Hereditary Cancer Syndrome; Neoplastic Syndromes, Hereditary; Hereditary neoplastic syndrome. Identifiers: Orphanet 140162, MedGen C0027672, MeSH D009386, MONDO:0015356.

Submissions (2):

Ambry Genetics
Classification: Likely pathogenic for Hereditary cancer-predisposing syndrome. Last evaluated: 2025-03-19. Review status: criteria provided, single submitter. Criteria: Ambry Variant Classification Scheme 2023. Collection method: clinical testing. Allele origin: germline.
Comment: The c.261-2A>G intronic variant results from an A to G substitution two nucleotides upstream from coding exon 3 in the SDHAF2 gene. This alteration occurs at the 3' terminus of the SDHAF2 gene, is not expected to trigger nonsense-mediated mRNA decay, and impacts the last 48% of the protein. The exact functional effect of this alteration is unknown; however, a significant portion of the protein is affected, and the region predicted to be impacted is critical for protein function (Ambry internal data). This variant is considered to be rare based on population cohorts in the Genome Aggregation Database (gnomAD). This nucleotide position is highly conserved in available vertebrate species. In silico splice site analysis predicts that this alteration will weaken the native splice acceptor site and will result in the creation or strengthening of a novel splice acceptor site. Based on the majority of available evidence to date, this variant is likely to be pathogenic.

Labcorp Genetics (formerly Invitae), Labcorp
Classification: Likely pathogenic for Hereditary pheochromocytoma and paraganglioma. Last evaluated: 2024-10-31. Review status: criteria provided, single submitter. Criteria: Invitae Variant Classification Sherloc (09022015). Collection method: clinical testing. Allele origin: germline.
Comment: This sequence change affects an acceptor splice site in intron 2 of the SDHAF2 gene. It is expected to disrupt RNA splicing. Variants that disrupt the donor or acceptor splice site typically lead to a loss of protein function (PMID: 16199547), and loss-of-function variants in SDHAF2 are known to be pathogenic (PMID: 22241717, 26096992). This variant is not present in population databases (gnomAD no frequency). This variant has not been reported in the literature in individuals affected with SDHAF2-related conditions. Studies have shown that disruption of this splice site is associated with altered splicing resulting in multiple RNA products (internal data). In summary, the currently available evidence indicates that the variant is pathogenic, but additional data are needed to prove that conclusively. Therefore, this variant has been classified as Likely Pathogenic.

Literature cited by the submitters: PubMed 16199547 (cited by Labcorp Genetics (formerly Invitae), Labcorp); PubMed 22241717 (cited by Labcorp Genetics (formerly Invitae), Labcorp); PubMed 26096992 (cited by Labcorp Genetics (formerly Invitae), Labcorp).